The following is an entry in ClinVar:

ClinVar aggregate classification (germline): Conflicting classifications of pathogenicity. Review status: criteria provided, conflicting classifications (1 of 4 stars). 2 submissions from 2 submitters: Likely pathogenic (1); Uncertain significance (1). Last evaluated 2026-09-17.

Conditions:
Atypical hemolytic-uremic syndrome. Identifiers: Orphanet 2134, MedGen C2931788, MONDO:0016244.
Factor H deficiency (CFHD). Also called: COMPLEMENT FACTOR H DEFICIENCY; CFH DEFICIENCY. Identifiers: Orphanet 200421, MedGen C0398777, MONDO:0012350, OMIM 609814.
Age related macular degeneration 4. Identifiers: MedGen C1853147, MONDO:0012540, OMIM 610698.
Hemolytic uremic syndrome, atypical, susceptibility to, 1. Also called: AHUS, SUSCEPTIBILITY TO, 1. Identifiers: Orphanet 2134, Orphanet 90038, MedGen C2749604, MONDO:0009335, OMIM 235400. Disease mechanism: Other.
Basal laminar drusen. Also called: DRUSEN OF BRUCH MEMBRANE; DRUSEN, CUTICULAR; DRUSEN, EARLY ADULT-ONSET, GROUPED. Identifiers: Orphanet 75376, MedGen C0730295, MONDO:0007472, OMIM 126700.

gnomAD v4.1: 1 of 1,612,968 alleles (0.000062%); highest among the groups gnomAD compares: Non-Finnish European, 0.000085%; no homozygotes.

Submissions (2):

Genomenon, Inc
Classification: Likely pathogenic for Atypical hemolytic-uremic syndrome; Factor H deficiency. Last evaluated: 2026-09-17. Review status: criteria provided, single submitter. Criteria: Genomenon Sequence Variant Interpretation Standards - Updated. Collection method: curation. Allele origin: germline. Affected: yes.
Comment: CFH p.Arg78Gly (c.232A>G) is a missense variant that changes the amino acid at codon 78 from arginine to glycine. This variant has been observed in at least one proband affected with a CFH-related disorder (PMID: 34211499; 36845135; 14583443; 28596415; 25037630; 29326307; 30929851; 29500241). At least one functional study has demonstrated a substantial alteration in protein function relative to the wild-type (PMID: 34189567; 21270465). It is absent or not present at a significant frequency in gnomAD. In conclusion, we classify CFH p.Arg78Gly (c.232A>G) as a likely pathogenic variant.

Fulgent Genetics
Classification: Uncertain significance for Basal laminar drusen; Hemolytic uremic syndrome, atypical, susceptibility to, 1; Factor H deficiency; Age related macular degeneration 4. Last evaluated: 2024-03-09. Review status: criteria provided, single submitter. Criteria: ACMG Guidelines, 2015. Collection method: clinical testing. Allele origin: germline.

Literature cited by the submitters: PubMed 34211499 (cited by Genomenon, Inc); PubMed 36845135 (cited by Genomenon, Inc); PubMed 14583443 (cited by Genomenon, Inc); PubMed 28596415 (cited by Genomenon, Inc); PubMed 25037630 (cited by Genomenon, Inc); PubMed 29326307 (cited by Genomenon, Inc); PubMed 30929851 (cited by Genomenon, Inc); PubMed 29500241 (cited by Genomenon, Inc); PubMed 34189567 (cited by Genomenon, Inc); PubMed 21270465 (cited by Genomenon, Inc).

NM_000186.4(CFH):c.232A>G (p.Arg78Gly)

Gene: CFH (complement factor H; plus strand). Cytogenetic location: 1q31.3.
Variant type: single nucleotide variant.
Coding change: c.232A>G on transcript NM_000186.4 (MANE Select); coding-DNA position 232, A replaced by G.
Protein change: p.Arg78Gly; replaces arginine 78 with glycine.
Molecular consequence: missense variant.
Genome position (GRCh38, 1-based): chr1:196,673,151, A>G. VCF-style: chr1-196673151-A-G. GRCh37 (hg19) VCF-style: chr1-196642281-A-G.
Other names: c.232A>G, p.Arg78Gly (NM_001014975.3); short protein forms R78G.
Identifiers: ClinVar variation 3575132 (VCV003575132.3).
Genomic context (GRCh38, chr1:196,673,151, plus strand): 5'-TCTCTTGGAAATGTAATAATGGTATGCAGGAAGGGAGAATGGGTTGCTCTTAATCCATTA[A>G]GGAAATGTCAGAGTAAGTACTTAATACATTTGTGAAATTTATGAAAACTAGGTGTAAAAA-3'
Protein context (NP_000177.2, residues 68-88): KGEWVALNPL[Arg78Gly]KCQKRPCGHP